The following is an entry in ClinVar:

ClinVar aggregate classification (germline): Uncertain significance (1 of 4 stars; one submission).

Allele frequency attached by ClinVar (database versions not stated): 1000 Genomes Project 30x 0.00031; 1000 Genomes Project 0.00040; gnomAD 0.00048 and 0.00049; ESP Exome Variant Server 0.00062.
gnomAD v4.1: 1,113 of 1,613,944 alleles (0.069%); highest among the groups gnomAD compares: Non-Finnish European, 0.087%; 1 homozygote.

Submissions (2):

Labcorp Genetics (formerly Invitae), Labcorp
Classification: Uncertain significance. Last evaluated: 2025-11-09. Review status: criteria provided, single submitter. Criteria: Invitae Variant Classification Sherloc (09022015). Collection method: clinical testing. Allele origin: germline.
Comment: This sequence change replaces histidine, which is basic and polar, with arginine, which is basic and polar, at codon 711 of the KIF20A protein (p.His711Arg). This variant is present in population databases (rs148685779, gnomAD 0.1%), and has an allele count higher than expected for a pathogenic variant. This variant has not been reported in the literature in individuals affected with KIF20A-related conditions. ClinVar contains an entry for this variant (Variation ID: 1350628). An algorithm developed to predict the effect of missense changes on protein structure and function outputs the following: PolyPhen-2: "Benign". The arginine amino acid residue is found in multiple mammalian species, which suggests that this missense change does not adversely affect protein function. In summary, the available evidence is currently insufficient to determine the role of this variant in disease. Therefore, it has been classified as a Variant of Uncertain Significance.

Dr. Peter K. Rogan Lab, Western University
No classification provided (evidence only). Condition: Thymoma. Review status: no classification provided. Collection method: in vitro. Allele origin: not applicable. Functional consequence: skipped exon, retained intron. Not counted in ClinVar's aggregate classification.

NM_005733.3(KIF20A):c.2132A>G (p.His711Arg)

Gene: KIF20A (kinesin family member 20A; plus strand). Cytogenetic location: 5q31.2.
Variant type: single nucleotide variant.
Coding change: c.2132A>G on transcript NM_005733.3 (MANE Select); coding-DNA position 2132, A replaced by G.
Protein change: p.His711Arg; replaces histidine 711 with arginine.
Molecular consequence: missense variant.
Genome position (GRCh38, 1-based): chr5:138,185,967, A>G. VCF-style: chr5-138185967-A-G. GRCh37 (hg19) VCF-style: chr5-137521656-A-G.
Other names: short protein forms H711R.
Identifiers: ClinVar variation 1350628 (VCV001350628.7), dbSNP rs148685779, ClinGen allele CA3426831.